The following is an entry in ClinVar:

ClinVar aggregate classification (germline): Uncertain significance. Review status: criteria provided, multiple submitters, no conflicts (2 of 4 stars). 2 submissions from 2 submitters: Uncertain significance (2). Last evaluated 2024-12-10.

Allele frequency attached by ClinVar (database versions not stated): gnomAD 0.00001; gnomAD exomes 0.00001 and 0.00002; ExAC 0.00003.
gnomAD v4.1: 16 of 1,613,522 alleles (0.00099%); highest among the groups gnomAD compares: Admixed American, 0.0033%; no homozygotes.

Submissions (2):

Labcorp Genetics (formerly Invitae), Labcorp
Classification: Uncertain significance. Last evaluated: 2024-12-10. Review status: criteria provided, single submitter. Criteria: Invitae Variant Classification Sherloc (09022015). Collection method: clinical testing. Allele origin: germline.
Comment: This sequence change replaces alanine, which is neutral and non-polar, with valine, which is neutral and non-polar, at codon 544 of the CACNA2D4 protein (p.Ala544Val). This variant is present in population databases (rs766593449, gnomAD 0.006%). This variant has not been reported in the literature in individuals affected with CACNA2D4-related conditions. ClinVar contains an entry for this variant (Variation ID: 1432826). An algorithm developed to predict the effect of missense changes on protein structure and function outputs the following: PolyPhen-2: "Benign". The valine amino acid residue is found in multiple mammalian species, which suggests that this missense change does not adversely affect protein function. In summary, the available evidence is currently insufficient to determine the role of this variant in disease. Therefore, it has been classified as a Variant of Uncertain Significance.

Blueprint Genetics
Classification: Uncertain significance. Last evaluated: 2024-07-17. Review status: criteria provided, single submitter. Criteria: ACMG Guidelines, 2015. Collection method: clinical testing. Allele origin: germline.

NM_172364.5(CACNA2D4):c.1631C>T (p.Ala544Val)

Gene: CACNA2D4 (calcium voltage-gated channel auxiliary subunit alpha2delta 4; minus strand). Cytogenetic location: 12p13.33.
Variant type: single nucleotide variant.
Coding change: c.1631C>T on transcript NM_172364.5 (MANE Select); coding-DNA position 1631, C replaced by T.
Protein change: p.Ala544Val; replaces alanine 544 with valine.
Molecular consequence: missense variant.
Genome position (GRCh38, 1-based): chr12:1,878,969, G>A on the plus strand (C>T on the coding strand, the complement: CACNA2D4 is on the minus strand). VCF-style: chr12-1878969-G-A. GRCh37 (hg19) VCF-style: chr12-1988135-G-A.
Other names: short protein forms A544V.
Identifiers: ClinVar variation 1432826 (VCV001432826.9), dbSNP rs766593449, ClinGen allele CA6387059.